The following is an entry in ClinVar:

ClinVar aggregate classification (germline): Conflicting classifications of pathogenicity. Review status: criteria provided, conflicting classifications (1 of 4 stars). 2 submissions from 2 submitters: Likely pathogenic (1); Uncertain significance (1). Last evaluated 2025-10-29.

Conditions:
Autosomal dominant mitochondrial myopathy with exercise intolerance (IMMD). Also called: Myopathy, isolated mitochondrial, autosomal dominant. Identifiers: Orphanet 457050, MedGen C4015513, MONDO:0014532, OMIM 616209.
Lower motor neuron syndrome with late-adult onset (SMAJ). Also called: Spinal muscular atrophy, Jokela type; Late-Onset Spinal Motor Neuronopathy (SMAJ). Identifiers: Orphanet 276435, MedGen C3554398, MONDO:0014025, OMIM 615048.
Frontotemporal dementia and/or amyotrophic lateral sclerosis 2. Also called: FTDALS2. Identifiers: Orphanet 275872, MedGen C4014648, MONDO:0014395, OMIM 615911.

gnomAD v4.1: 4,528 of 1,556,708 alleles (0.29%); highest among the groups gnomAD compares: Non-Finnish European, 0.37%; no homozygotes.

Submissions (2):

Labcorp Genetics (formerly Invitae), Labcorp
Classification: Uncertain significance for Lower motor neuron syndrome with late-adult onset; Frontotemporal dementia and/or amyotrophic lateral sclerosis 2; Autosomal dominant mitochondrial myopathy with exercise intolerance. Last evaluated: 2025-10-29. Review status: criteria provided, single submitter. Criteria: Invitae Variant Classification Sherloc (09022015). Collection method: clinical testing. Allele origin: germline.
Comment: This sequence change creates a premature translational stop signal (p.Tyr104*) in the CHCHD10 gene. It is expected to result in an absent or disrupted protein product. However, the current clinical and genetic evidence is not sufficient to establish whether loss-of-function variants in CHCHD10 cause disease. This variant is present in population databases (rs9153, gnomAD 0.02%). This premature translational stop signal has been observed in individual(s) with amyotrophic lateral sclerosis (PMID: 36284339). This variant is also known as c.333C>G, p.Y111X. ClinVar contains an entry for this variant (Variation ID: 565755). In summary, the available evidence is currently insufficient to determine the role of this variant in disease. Therefore, it has been classified as a Variant of Uncertain Significance.

Institute of Medical Genetics and Applied Genomics, University Hospital Tübingen
Classification: Likely pathogenic. Last evaluated: 2020-10-23. Review status: criteria provided, single submitter. Criteria: ACMG Guidelines, 2015. Collection method: clinical testing. Allele origin: germline. Inheritance: Autosomal dominant inheritance. Affected: yes.

Literature cited by the submitters: PubMed 36284339 (cited by Labcorp Genetics (formerly Invitae), Labcorp).

NM_213720.3(CHCHD10):c.312C>G (p.Tyr104Ter)

Gene: CHCHD10 (coiled-coil-helix-coiled-coil-helix domain containing 10; minus strand). Cytogenetic location: 22q11.23.
Variant type: single nucleotide variant.
Coding change: c.312C>G on transcript NM_213720.3 (MANE Select); coding-DNA position 312, C replaced by G.
Protein change: p.Tyr104Ter; replaces tyrosine 104 with a stop codon.
Molecular consequence: nonsense. On other transcripts: non-coding transcript variant (2).
Genome position (GRCh38, 1-based): chr22:23,766,225, G>C on the plus strand (C>G on the coding strand, the complement: CHCHD10 is on the minus strand). VCF-style: chr22-23766225-G-C. GRCh37 (hg19) VCF-style: chr22-24108412-G-C.
Other names: c.333C>G, p.Tyr111Ter (NM_001301339.2); short protein forms Y104*, Y111*.
Identifiers: ClinVar variation 565755 (VCV000565755.9), dbSNP rs9153, ClinGen allele CA10145261.